The following is an entry in ClinVar:

ClinVar aggregate classification (germline): Uncertain significance (1 of 4 stars; one submission).

Conditions:
Hereditary diffuse gastric adenocarcinoma (HDGC). Also called: DIFFUSE GASTRIC AND LOBULAR BREAST CANCER SYNDROME. Identifiers: Orphanet 26106, MedGen C1708349, MONDO:0007648, OMIM 137215.

Submission:

Labcorp Genetics (formerly Invitae), Labcorp
Classification: Uncertain significance for Hereditary diffuse gastric adenocarcinoma. Last evaluated: 2025-12-22. Review status: criteria provided, single submitter. Criteria: Invitae Variant Classification Sherloc (09022015). Collection method: clinical testing. Allele origin: germline.
Comment: This sequence change replaces serine, which is neutral and polar, with phenylalanine, which is neutral and non-polar, at codon 507 of the CDH1 protein (p.Ser507Phe). This variant is not present in population databases (gnomAD no frequency). This variant has not been reported in the literature in individuals affected with CDH1-related conditions. ClinVar contains an entry for this variant (Variation ID: 1364555). An algorithm developed to predict the effect of missense changes on protein structure and function (PolyPhen-2) suggests that this variant is likely to be disruptive. In summary, the available evidence is currently insufficient to determine the role of this variant in disease. Therefore, it has been classified as a Variant of Uncertain Significance.

NM_004360.5(CDH1):c.1520C>T (p.Ser507Phe)

Gene: CDH1 (cadherin 1; plus strand). Cytogenetic location: 16q22.1.
Variant type: single nucleotide variant.
Coding change: c.1520C>T on transcript NM_004360.5 (MANE Select); coding-DNA position 1520, C replaced by T.
Protein change: p.Ser507Phe; replaces serine 507 with phenylalanine.
Molecular consequence: missense variant. On other transcripts: 5 prime UTR variant (2).
Genome position (GRCh38, 1-based): chr16:68,815,714, C>T. VCF-style: chr16-68815714-C-T. GRCh37 (hg19) VCF-style: chr16-68849617-C-T.
Other names: c.1337C>T, p.Ser446Phe (NM_001317184.2); c.-29C>T (NM_001317185.2); c.-300C>T (NM_001317186.2); short protein forms S446F, S507F.
Identifiers: ClinVar variation 1364555 (VCV001364555.8), dbSNP rs2152135087, ClinGen allele CA396463379.